The following is an entry in ClinVar:

NM_173728.4(ARHGEF15):c.2228G>A (p.Gly743Asp)

Gene: ARHGEF15 (Rho guanine nucleotide exchange factor 15; plus strand). Cytogenetic location: 17p13.1.
Variant type: single nucleotide variant.
Coding change: c.2228G>A on transcript NM_173728.4 (MANE Select); coding-DNA position 2228, G replaced by A.
Protein change: p.Gly743Asp; replaces glycine 743 with aspartic acid.
Molecular consequence: missense variant.
Genome position (GRCh38, 1-based): chr17:8,319,353, G>A. VCF-style: chr17-8319353-G-A. GRCh37 (hg19) VCF-style: chr17-8222671-G-A.
Other names: c.2228G>A, p.Gly743Asp (NM_025014.2); short protein forms G743D.
Identifiers: ClinVar variation 648596 (VCV000648596.10), dbSNP rs201311723, ClinGen allele CA8375452.

ClinVar aggregate classification (germline): Uncertain significance (1 of 4 stars; one submission).

Conditions:
Early-infantile DEE. Also called: Early infantile epileptic encephalopathy with suppression bursts; Early infantile epileptic encephalopathy; Ohtahara syndrome. Identifiers: Orphanet 1934, MedGen C0393706, MONDO:0800491.

Allele frequency attached by ClinVar (database versions not stated): 1000 Genomes Project 30x 0.00016; 1000 Genomes Project 0.00020; gnomAD exomes 0.00036; ESP Exome Variant Server 0.00038; ExAC 0.00039; gnomAD 0.00039 and 0.00040; TOPMed 0.00041.
gnomAD v4.1: 725 of 1,614,046 alleles (0.045%); highest among the groups gnomAD compares: Non-Finnish European, 0.055%; no homozygotes.

Submission:

Labcorp Genetics (formerly Invitae), Labcorp
Classification: Uncertain significance for Early-infantile DEE. Last evaluated: 2026-02-02. Review status: criteria provided, single submitter. Criteria: Invitae Variant Classification Sherloc (09022015). Collection method: clinical testing. Allele origin: germline.
Comment: This sequence change replaces glycine, which is neutral and non-polar, with aspartic acid, which is acidic and polar, at codon 743 of the ARHGEF15 protein (p.Gly743Asp). This variant is present in population databases (rs201311723, gnomAD 0.06%), and has an allele count higher than expected for a pathogenic variant. This variant has not been reported in the literature in individuals affected with ARHGEF15-related conditions. ClinVar contains an entry for this variant (Variation ID: 648596). An algorithm developed to predict the effect of missense changes on protein structure and function (PolyPhen-2) suggests that this variant is likely to be tolerated. In summary, the available evidence is currently insufficient to determine the role of this variant in disease. Therefore, it has been classified as a Variant of Uncertain Significance.